The following is an entry in ClinVar:

NM_018082.6(POLR3B):c.2084-6A>G

Gene: POLR3B (RNA polymerase III subunit B; plus strand). Cytogenetic location: 12q23.3.
Variant type: single nucleotide variant.
Coding change: c.2084-6A>G on transcript NM_018082.6 (MANE Select); 6 bases into the intron before coding-DNA position 2084, A replaced by G.
Molecular consequence: intron variant.
Genome position (GRCh38, 1-based): chr12:106,454,496, A>G. VCF-style: chr12-106454496-A-G. GRCh37 (hg19) VCF-style: chr12-106848274-A-G.
Other names: IVS19AS, -6, A-G; c.1910-6A>G (NM_001160708.2).
Identifiers: ClinVar variation 419962 (VCV000419962.29), dbSNP rs747912710, ClinGen allele CA6762126.

ClinVar aggregate classification (germline): Pathogenic/Likely pathogenic. Review status: criteria provided, multiple submitters, no conflicts (2 of 4 stars). 15 submissions from 15 submitters: Pathogenic (9); Likely pathogenic (4). 2 of the submissions do not count toward it. Last evaluated 2026-06-24.

Conditions:
POLR3B-related disorder. Also called: POLR3B-related condition; POLR3B-related disorders. Identifiers: MedGen CN378588, MONDO:0700277.
Charcot-Marie-Tooth disease, demyelinating, IIA 1I. Also called: Charcot-Marie-Tooth disease, demyelinating, type 1I; CHARCOT-MARIE-TOOTH NEUROPATHY, TYPE 1I. Identifiers: MedGen C5676914, MONDO:0030677, OMIM 619742.
Leukodystrophy, hypomyelinating, 8, with or without oligodontia and/or hypogonadotropic hypogonadism. Also called: Hypomyelinating leukodystrophy 8 with or without oligodontia and-or hypogonadotropic hypogonadism; LEUKODYSTROPHY, HYPOMYELINATING, 8, WITH HYPODONTIA AND HYPOGONADOTROPIC HYPOGONADISM; Endosteal sclerosis-cerebellar hypoplasia syndrome. Identifiers: Orphanet 85186, Orphanet 88637, MedGen C3280644, MONDO:0013722, OMIM 614381.

Allele frequency attached by ClinVar (database versions not stated): gnomAD 0.00010 and 0.00011; TOPMed 0.00009; gnomAD exomes 0.00011 and 0.00013; ExAC 0.00018.
gnomAD v4.1: 155 of 1,429,516 alleles (0.011%); highest among the groups gnomAD compares: Non-Finnish European, 0.014%; no homozygotes.

Submissions (15):

PreventionGenetics, part of Exact Sciences
Classification: Pathogenic for POLR3B-related condition. Last evaluated: 2026-06-24. Review status: criteria provided, single submitter. Criteria: ACMG Guidelines, 2015. Collection method: clinical testing. Allele origin: germline.
Comment: The POLR3B c.2084-6A>G variant is predicted to interfere with splicing. This variant has been reported in the compound heterozygous state in individuals with hypomyelinating leukodystrophy (Daoud et al. 2013. PubMed ID: 23355746; Wolf et al. 2014. PubMed ID: 25339210; La Piana et al. 2016. PubMed ID: 27029625; Jurkiewicz et al. 2017. PubMed ID: 26478204). RT-PCR studies showed that this variant leads to aberrant splicing and premature termination (Daoud et al. 2013. PubMed ID: 23355746). This variant is reported in 0.025% of alleles in individuals of European (Non-Finnish) descent in gnomAD. This variant is interpreted as pathogenic.

Labcorp Genetics (formerly Invitae), Labcorp
Classification: Pathogenic. Last evaluated: 2025-12-16. Review status: criteria provided, single submitter. Criteria: Invitae Variant Classification Sherloc (09022015). Collection method: clinical testing. Allele origin: germline.
Comment: This sequence change falls in intron 19 of the POLR3B gene. It does not directly change the encoded amino acid sequence of the POLR3B protein. RNA analysis indicates that this variant induces altered splicing and may result in an absent or altered protein product. This variant is present in population databases (rs747912710, gnomAD 0.02%). This variant has been observed in individuals with autosomal recessive leukodystrophy (PMID: 23355746, 25339210). ClinVar contains an entry for this variant (Variation ID: 419962). Studies have shown that this variant results in an abnormal splicing event, and produces a non-functional protein and/or introduces a premature termination codon (PMID: 23355746). For these reasons, this variant has been classified as Pathogenic.

Laboratory of Genetics, Children's Clinical University Hospital Latvia
Classification: Pathogenic. Last evaluated: 2025-02-16. Review status: criteria provided, single submitter. Criteria: ACMG Guidelines, 2015. Collection method: clinical testing. Allele origin: germline. Affected: yes.

Blueprint Genetics
Classification: Pathogenic for POLR3B-related disorders. Last evaluated: 2024-11-15. Review status: criteria provided, single submitter. Criteria: ACMG Guidelines, 2015. Collection method: clinical testing. Allele origin: germline. Affected: yes. Observed: 5 variant alleles.

Institute of Human Genetics, Heidelberg University
Classification: Likely pathogenic for Leukodystrophy, hypomyelinating, 8, with or without oligodontia and/or hypogonadotropic hypogonadism. Last evaluated: 2024-03-01. Review status: criteria provided, single submitter. Criteria: ACMG Guidelines, 2015. Collection method: clinical testing. Allele origin: paternal. Affected: yes.

Genetic Services Laboratory, University of Chicago
Classification: Likely pathogenic. Last evaluated: 2023-10-10. Review status: criteria provided, single submitter. Criteria: ACMG Guidelines, 2015. Collection method: clinical testing. Allele origin: germline. Affected: yes.
Comment: DNA sequence analysis of the POLR3B gene demonstrated a c.2084-6A>G sequence change located near the canonical splice acceptor site in intron 19. This sequence change has previously been reported in the compound heterozygous state in several unrelated individuals with hypomyelinating leukodystrophies with or without hypogonadotropic hypogonadism and hypodontia [PMID: 23355746, 25339210]. This sequence change has been described in the gnomAD database with a frequency of 0.025% in the European (non-Finnish) subpopulation (dbSNP rs747912710). Based on in-silico splice prediction programs and RNA studies, this sequence change affects normal splicing of the POLR3B gene, leading to an abnormal transcript with partial deletion of exon 20 that results in frameshifting and creation of a premature stop codon five amino acids into exon 20 [PMID: 23355746]. These collective evidences indicate that this sequence change is likely pathogenic.

Broad Center for Mendelian Genomics, Broad Institute of MIT and Harvard
Classification: Likely pathogenic for Leukodystrophy, hypomyelinating, 8, with or without oligodontia and/or hypogonadotropic hypogonadism. Last evaluated: 2023-05-02. Review status: criteria provided, single submitter. Criteria: ACMG Guidelines, 2015. Collection method: curation. Allele origin: germline. Inheritance: Autosomal recessive inheritance.
Comment: The c.2084-6A>G variant in POLR3B has been reported in 9 compound heterozygous individuals with 4H leukodystrophy (PMID: 23355746, 25339210, 26478204, 27029625, 31577365), and has been identified in 0.02% (13/128322) of European (non-Finnish) chromosomes by the Genome Aggregation Database (gnomAD; dbSNP ID: rs747912710). Although this variant has been seen in the general population in a heterozygous state, its frequency is not high enough to rule out a pathogenic role. Of the 9 affected individuals, 5 were compound heterozygotes that carried reported pathogenic variants with unknown phase, which increases the likelihood that the c.2084-6A>G variant is pathogenic (VariationID: 31166; PMID: 23355746, 25339210, 31577365). This variant has also been reported in ClinVar (Variation ID#: 419962) and has been interpreted as pathogenic by GeneDx, Institute of Medical Genetics and Applied Genomics (University Hospital T√ºbingen), Centre for Mendelian Genomics (University Medical Centre Ljubljana), Institute for Clinical Genetics (University Hospital TU Dresden), and GeneReviews. In vitro functional studies provide some evidence that the c.2084-6A>G variant may impact protein function (PMID: 23355746). However, these types of assays may not accurately represent biological function. This variant is located in the 5' splice region. Computational tools do suggest an impact to splicing. However, this information is not predictive enough to determine pathogenicity. In summary, although additional studies are required to fully establish its clinical significance, this variant is likely pathogenic for autosomal recessive 4H leukodystrophy. ACMG/AMP Criteria applied: PM3_strong, PS3_moderate, PP3 (Richards 2015)

GeneDx
Classification: Pathogenic. Last evaluated: 2022-02-10. Review status: criteria provided, single submitter. Criteria: GeneDx Variant Classification Process June 2021. Collection method: clinical testing. Allele origin: germline. Affected: yes.
Comment: RT-PCR studies of c.2084-6A>G indicate that it creates a cryptic splice acceptor site, leading to a frameshift and a premature stop codon at position 5 of the new reading frame (Daoud et al., 2013); This variant is associated with the following publications: (PMID: 27029625, 23355746, 25339210, 26478204, 31980526)

Institute for Clinical Genetics, University Hospital TU Dresden, University Hospital TU Dresden
Classification: Pathogenic. Last evaluated: 2021-11-03. Review status: criteria provided, single submitter. Criteria: ACMG Guidelines, 2015. Collection method: clinical testing. Allele origin: germline.

Molecular Diagnostics Lab, Nemours Children's Health, Delaware
Classification: Likely pathogenic for Charcot-Marie-Tooth disease, demyelinating, IIA 1I. Last evaluated: 2020-12-23. Review status: criteria provided, single submitter. Criteria: ACMG Guidelines, 2015. Collection method: clinical testing. Allele origin: unknown. Inheritance: Autosomal recessive inheritance. Affected: yes. Observed: 2 compound heterozygotes. Clinical features observed: Cerebellar hypoplasia (HP:0006806), Delayed eruption of permanent teeth (HP:0000696).
Comment: This variant (c.2084-6G>A) has been observed at very low frequency in population databases (gnomAD) and has been reported in the literature (PMID 23355746, PMID 27029625, PMID. 25339210, PMID 26478204). Splice prediction programs suggest a deleterious effect on correct splicing and this is supoprted by RNA analysis (PMID 23355746).

Institute of Medical Genetics and Applied Genomics, University Hospital Tübingen
Classification: Pathogenic. Last evaluated: 2020-10-23. Review status: criteria provided, single submitter. Criteria: ACMG Guidelines, 2015. Collection method: clinical testing. Allele origin: germline. Inheritance: Unknown mechanism. Affected: yes.

Centre for Mendelian Genomics, University Medical Centre Ljubljana
Classification: Pathogenic for Leukodystrophy, hypomyelinating, 8, with or without oligodontia and/or hypogonadotropic hypogonadism. Last evaluated: 2019-01-25. Review status: criteria provided, single submitter. Criteria: ACMG Guidelines, 2015. Collection method: clinical testing. Allele origin: unknown. Affected: yes.
Comment: This variant was classified as: Pathogenic. The following ACMG criteria were applied in classifying this variant: PVS1,PS3,PM2,PM3,PP3.

Juno Genomics, Hangzhou Juno Genomics, Inc
Classification: Pathogenic for Leukodystrophy, hypomyelinating, 8, with or without oligodontia and/or hypogonadotropic hypogonadism. Review status: criteria provided, single submitter. Criteria: ACMG Guidelines, 2015. Collection method: clinical testing. Allele origin: germline. Affected: yes.
Comment: Absent from controls (or at extremely low frequency if recessive) in Genome Aggregation Database, Exome Sequencing Project, 1000 Genomes Project, or Exome Aggregation Consortium.;Null variant in a gene where loss of function (LOF) is a known mechanism of disease.;For recessive disorders, detected in trans with a pathogenic variant.

OMIM
Classification: Pathogenic for LEUKODYSTROPHY, HYPOMYELINATING, 8, WITHOUT HYPODONTIA AND WITH HYPOGONADOTROPIC HYPOGONADISM. Last evaluated: 2022-03-04. Review status: no assertion criteria provided. Collection method: literature only. Allele origin: germline. Not counted in ClinVar's aggregate classification.

GeneReviews
No classification provided. Condition: Leukodystrophy, hypomyelinating, 8, with or without oligodontia and/or hypogonadotropic hypogonadism. Review status: no classification provided. Collection method: literature only. Allele origin: germline. Not counted in ClinVar's aggregate classification.

Literature cited by the submitters: PubMed 23355746 (cited by 4 submitters); PubMed 25339210 (cited by 3 submitters); PubMed 27029625 (cited by Molecular Diagnostics Lab, Nemours Children's Health, Delaware and GeneReviews); PubMed 26478204 (cited by Molecular Diagnostics Lab, Nemours Children's Health, Delaware and GeneReviews); PubMed 22855961 (cited by GeneReviews).